The following is an entry in ClinVar:

ClinVar aggregate classification (germline): Uncertain significance (1 of 4 stars; one submission).

gnomAD v4.1: 7 of 1,613,962 alleles (0.00043%); highest among the groups gnomAD compares: East Asian, 0.013%; no homozygotes.

Submission:

Labcorp Genetics (formerly Invitae), Labcorp
Classification: Uncertain significance. Last evaluated: 2024-12-12. Review status: criteria provided, single submitter. Criteria: Invitae Variant Classification Sherloc (09022015). Collection method: clinical testing. Allele origin: germline.
Comment: This sequence change replaces aspartic acid, which is acidic and polar, with asparagine, which is neutral and polar, at codon 679 of the ATP2C1 protein (p.Asp679Asn). This variant is present in population databases (rs767996194, gnomAD 0.02%). This variant has not been reported in the literature in individuals affected with ATP2C1-related conditions. Invitae Evidence Modeling of protein sequence and biophysical properties (such as structural, functional, and spatial information, amino acid conservation, physicochemical variation, residue mobility, and thermodynamic stability) indicates that this missense variant is not expected to disrupt ATP2C1 protein function with a negative predictive value of 80%. In summary, the available evidence is currently insufficient to determine the role of this variant in disease. Therefore, it has been classified as a Variant of Uncertain Significance.

NM_001378687.1(ATP2C1):c.2035G>A (p.Asp679Asn)

Gene: ATP2C1 (ATPase secretory pathway Ca2+ transporting 1; plus strand). Cytogenetic location: 3q22.1.
Variant type: single nucleotide variant.
Coding change: c.2035G>A on transcript NM_001378687.1 (MANE Select); coding-DNA position 2035, G replaced by A.
Protein change: p.Asp679Asn; replaces aspartic acid 679 with asparagine.
Molecular consequence: missense variant.
Genome position (GRCh38, 1-based): chr3:130,994,076, G>A. VCF-style: chr3-130994076-G-A. GRCh37 (hg19) VCF-style: chr3-130712920-G-A.
Other names: c.2035G>A, p.Asp679Asn (NM_001001485.3, NM_001001486.2, NM_001001487.2 and 5 more transcripts); c.2137G>A, p.Asp713Asn (NM_001199180.2, NM_001199181.3, NM_001378511.1); c.2020G>A, p.Asp674Asn (NM_001199182.2); c.1987G>A, p.Asp663Asn (NM_001199183.2, NM_001199184.3, NM_001378514.1); short protein forms D663N, D713N, D674N, D679N.
Identifiers: ClinVar variation 3702209 (VCV003702209.2).